The following is an entry in ClinVar:

ClinVar aggregate classification (germline): Uncertain significance (1 of 4 stars; one submission).

Conditions:
Autosomal dominant polycystic kidney disease. Identifiers: Orphanet 730, MedGen C0085413, MONDO:0004691.

Submission:

Labcorp Genetics (formerly Invitae), Labcorp
Classification: Uncertain significance for Autosomal dominant polycystic kidney disease. Last evaluated: 2022-07-07. Review status: criteria provided, single submitter. Criteria: Invitae Variant Classification Sherloc (09022015). Collection method: clinical testing. Allele origin: germline.
Comment: In summary, the available evidence is currently insufficient to determine the role of this variant in disease. Therefore, it has been classified as a Variant of Uncertain Significance. Algorithms developed to predict the effect of missense changes on protein structure and function are either unavailable or do not agree on the potential impact of this missense change (SIFT: "Deleterious"; PolyPhen-2: "Probably Damaging"; Align-GVGD: "Class C0"). This variant has not been reported in the literature in individuals affected with PKD2-related conditions. This variant is not present in population databases (gnomAD no frequency). This sequence change replaces leucine, which is neutral and non-polar, with proline, which is neutral and non-polar, at codon 141 of the PKD2 protein (p.Leu141Pro).

NM_000297.4(PKD2):c.422T>C (p.Leu141Pro)

Genes: PKD2 (polycystin 2, transient receptor potential cation channel; plus strand), LOC129992813 (ATAC-STARR-seq lymphoblastoid silent region 15559; plus strand). Cytogenetic location: 4q22.1.
Variant type: single nucleotide variant.
Coding change: c.422T>C on transcript NM_000297.4 (MANE Select); coding-DNA position 422, T replaced by C.
Protein change: p.Leu141Pro; replaces leucine 141 with proline.
Molecular consequence: missense variant. On other transcripts: non-coding transcript variant (1).
Genome position (GRCh38, 1-based): chr4:88,008,155, T>C. VCF-style: chr4-88008155-T-C. GRCh37 (hg19) VCF-style: chr4-88929307-T-C.
Other names: short protein forms L141P.
Identifiers: ClinVar variation 2014915 (VCV002014915.4), dbSNP rs2476358255, ClinGen allele CA357626582.
Genomic context (GRCh38, chr4:88,008,155, plus strand): 5'-GCAGCCGGAGGTCGGCCGCCTCCTCGGCCGTGAGCTCCGTGGGCGCGCGGAGCCGGGGGC[T>C]TGGGGGCTACCACGGCGCGGGCCACCCGAGCGGGAGGCGGCGCCGGCGAGAGGACCAGGG-3'
Protein context (NP_000288.1, residues 131-151): VSSVGARSRG[Leu141Pro]GGYHGAGHPS